The following is an entry in ClinVar:

NM_024831.8(TGS1):c.666A>C (p.Ala222=)

Gene: TGS1 (trimethylguanosine synthase 1; plus strand). Cytogenetic location: 8q12.1.
Variant type: single nucleotide variant.
Coding change: c.666A>C on transcript NM_024831.8 (MANE Select); coding-DNA position 666, A replaced by C.
Protein change: p.Ala222=; no amino-acid change (alanine 222 retained).
Molecular consequence: synonymous variant.
Genome position (GRCh38, 1-based): chr8:55,786,564, A>C. VCF-style: chr8-55786564-A-C. GRCh37 (hg19) VCF-style: chr8-56699123-A-C.
Other names: c.387A>C, p.Ala129= (NM_001317902.2, NM_001363184.2).
Identifiers: ClinVar variation 2658608 (VCV002658608.24), dbSNP rs143280848, ClinGen allele CA4753293.
Genomic context (GRCh38, chr8:55,786,564, plus strand): 5'-GAATGAATATGGAGGAGGACTATTGTGGCAAAGTTGGCAAGAAAAACATCCGGGTCAAGC[A>C]CTATCTTCTGAACCTTGGAACTTTCCTGATACAAAGGAAGAATGGGAGCAACATTATAGT-3'
Protein context (NP_079107.6, residues 212-232): QSWQEKHPGQ[Ala222=]LSSEPWNFPD

ClinVar aggregate classification (germline): Likely benign (1 of 4 stars; one submission).

Allele frequency attached by ClinVar (database versions not stated): gnomAD 0.00039; TOPMed 0.00039; ExAC 0.00098; 1000 Genomes Project 0.00180; 1000 Genomes Project 30x 0.00187; ESP Exome Variant Server 0.00054; gnomAD exomes 0.00063.
gnomAD v4.1: 993 of 1,614,220 alleles (0.062%); highest among the groups gnomAD compares: South Asian, 0.52%; 9 homozygotes.

Submission:

CeGaT Center for Human Genetics Tuebingen
Classification: Likely benign. Last evaluated: 2022-12-01. Review status: criteria provided, single submitter. Criteria: CeGaT Center For Human Genetics Tuebingen Variant Classification Criteria Version 2. Collection method: clinical testing. Allele origin: germline. Affected: yes. Observed: 1 variant allele.
Comment: TGS1: BP4, BP7, BS2